The following is an entry in ClinVar:

NM_001042492.3(NF1):c.5180del (p.Pro1727fs)

Gene: NF1 (neurofibromin 1; plus strand). Cytogenetic location: 17q11.2.
Variant type: Deletion.
Coding change: c.5180del on transcript NM_001042492.3 (MANE Select); coding-DNA position 5180, one base deleted (C; older notation c.5180delC).
Protein change: p.Pro1727fs; shifts the reading frame from proline 1727.
Molecular consequence: frameshift variant.
Genome position (GRCh38, 1-based): chr17:31,326,164, C deleted; the last of 2 consecutive C bases (chr17:31,326,163-31,326,164); deleting either gives the same sequence. VCF-style (leftmost placement, unchanged base first): chr17-31326162-AC-A. GRCh37 (hg19) VCF-style: chr17-29653180-AC-A.
Other names: c.5117delC, p.Pro1706Leufs (NM_000267.4); short protein forms P1706fs, P1727fs.
Identifiers: ClinVar variation 2028737 (VCV002028737.4), dbSNP rs2508697869, ClinGen allele CA2580093044.

ClinVar aggregate classification (germline): Pathogenic (1 of 4 stars; one submission).

Conditions:
Neurofibromatosis, type 1 (NF1). Also called: NEUROFIBROMATOSIS, TYPE I, SOMATIC; Neurofibromatosis, type I; Peripheral type neurofibromatosis; VON RECKLINGHAUSEN DISEASE. Identifiers: Orphanet 636, MedGen C0027831, MONDO:0018975, OMIM 162200. Disease mechanism: loss of function.

Submission:

Labcorp Genetics (formerly Invitae), Labcorp
Classification: Pathogenic for Neurofibromatosis, type 1. Last evaluated: 2025-01-22. Review status: criteria provided, single submitter. Criteria: Invitae Variant Classification Sherloc (09022015). Collection method: clinical testing. Allele origin: germline.
Comment: This sequence change creates a premature translational stop signal (p.Pro1706Leufs*7) in the NF1 gene. It is expected to result in an absent or disrupted protein product. Loss-of-function variants in NF1 are known to be pathogenic (PMID: 10712197, 23913538). This variant is not present in population databases (gnomAD no frequency). This variant has not been reported in the literature in individuals affected with NF1-related conditions. ClinVar contains an entry for this variant (Variation ID: 2028737). Algorithms developed to predict the effect of sequence changes on RNA splicing suggest that this variant may disrupt the consensus splice site. For these reasons, this variant has been classified as Pathogenic.

Literature cited by the submitters: PubMed 10712197; PubMed 23913538.